The following is an entry in ClinVar:

NM_000318.3(PEX2):c.392C>G (p.Ser131Ter)

Gene: PEX2 (peroxisomal biogenesis factor 2; minus strand). Cytogenetic location: 8q21.13.
Variant type: single nucleotide variant.
Coding change: c.392C>G on transcript NM_000318.3 (MANE Select); coding-DNA position 392, C replaced by G.
Protein change: p.Ser131Ter; replaces serine 131 with a stop codon.
Molecular consequence: nonsense.
Genome position (GRCh38, 1-based): chr8:76,983,787, G>C on the plus strand (C>G on the coding strand, the complement: PEX2 is on the minus strand). VCF-style: chr8-76983787-G-C. GRCh37 (hg19) VCF-style: chr8-77896023-G-C.
Other names: c.392C>G, p.Ser131Ter (NM_001079867.2, NM_001172086.2, NM_001172087.2); short protein forms S131*.
Identifiers: ClinVar variation 4818157 (VCV004818157.1).
Genomic context (GRCh38, chr8:76,983,787, plus strand): 5'-AGCCCACCTAATTTCAAAAGTCCAATCACAAAATTCACACACTGCTTGACTTTCCCAAAT[G>C]ATGCTAAATGATGGTTTCGAAACAAATCATAGCATCGTTCTTCTAACCACCTGCCACCAA-3'

ClinVar aggregate classification (germline): Likely pathogenic (1 of 4 stars; one submission).

Conditions:
Zellweger spectrum disorders (ZS). Also called: Zellweger Spectrum Disorder (ZSD); Zellweger syndrome; Zellweger Spectrum Disorder; Zellweger Spectrum. Identifiers: Orphanet 912, MedGen C0043459, MONDO:0019609.

Submission:

Natera, Inc.
Classification: Likely pathogenic for Zellweger syndrome. Last evaluated: 2024-12-20. Review status: criteria provided, single submitter. Criteria: Natera Variant Classification Schema (03/2026). Collection method: clinical testing. Allele origin: germline.
Comment: The c.392C>G variant in PEX2 is a nonsense variant predicted to introduce a stop codon at amino acid 131. This variant is expected to result in nonsense mediated decay, truncation, or a dysfunctional protein product. This variant is rare in the general population with a frequency below the threshold expected for the associated phenotype(s). Given the available evidence, this variant is classified as Likely Pathogenic.